The following is an entry in ClinVar:

NM_014806.5(RUSC2):c.3529C>T (p.Arg1177Trp)

Gene: RUSC2 (RUN and SH3 domain containing 2; plus strand). Cytogenetic location: 9p13.3.
Variant type: single nucleotide variant.
Coding change: c.3529C>T on transcript NM_014806.5 (MANE Select); coding-DNA position 3529, C replaced by T.
Protein change: p.Arg1177Trp; replaces arginine 1177 with tryptophan.
Molecular consequence: missense variant. On other transcripts: non-coding transcript variant (1).
Genome position (GRCh38, 1-based): chr9:35,560,169, C>T. VCF-style: chr9-35560169-C-T. GRCh37 (hg19) VCF-style: chr9-35560166-C-T.
Other names: c.3529C>T, p.Arg1177Trp (NM_001135999.2); c.895C>T, p.Arg299Trp (NM_001330740.2); c.3529C>T (NM_001135999.1); short protein forms R299W, R1177W.
Identifiers: ClinVar variation 1395030 (VCV001395030.6), dbSNP rs781023461, ClinGen allele CA5044181.

ClinVar aggregate classification (germline): Uncertain significance. Review status: criteria provided, multiple submitters, no conflicts (2 of 4 stars). 3 submissions from 3 submitters: Uncertain significance (3). Last evaluated 2024-10-14.

Allele frequency attached by ClinVar (database versions not stated): gnomAD 0.00010 and 0.00011; TOPMed 0.00011.
gnomAD v4.1: 92 of 1,607,488 alleles (0.0057%); highest among the groups gnomAD compares: South Asian, 0.0066%; no homozygotes.

Submissions (3):

Blueprint Genetics
Classification: Uncertain significance. Last evaluated: 2024-10-14. Review status: criteria provided, single submitter. Criteria: ACMG Guidelines, 2015. Collection method: clinical testing. Allele origin: germline.

Ambry Genetics
Classification: Uncertain significance. Last evaluated: 2023-11-28. Review status: criteria provided, single submitter. Criteria: Ambry Variant Classification Scheme 2023. Collection method: clinical testing. Allele origin: germline.

Labcorp Genetics (formerly Invitae), Labcorp
Classification: Uncertain significance. Last evaluated: 2022-08-20. Review status: criteria provided, single submitter. Criteria: Invitae Variant Classification Sherloc (09022015). Collection method: clinical testing. Allele origin: germline.
Comment: This sequence change replaces arginine, which is basic and polar, with tryptophan, which is neutral and slightly polar, at codon 1177 of the RUSC2 protein (p.Arg1177Trp). This variant is present in population databases (rs781023461, gnomAD 0.01%). This variant has not been reported in the literature in individuals affected with RUSC2-related conditions. ClinVar contains an entry for this variant (Variation ID: 1395030). Algorithms developed to predict the effect of missense changes on protein structure and function (SIFT, PolyPhen-2, Align-GVGD) all suggest that this variant is likely to be disruptive. In summary, the available evidence is currently insufficient to determine the role of this variant in disease. Therefore, it has been classified as a Variant of Uncertain Significance.